The following is an entry in ClinVar:

ClinVar aggregate classification (germline): Benign. Review status: criteria provided, multiple submitters, no conflicts (2 of 4 stars). 2 submissions from 2 submitters: Benign (2). Last evaluated 2018-01-12.

Conditions:
Rotor syndrome (HBLRR). Also called: HYPERBILIRUBINEMIA, ROTOR TYPE, DIGENIC; HYPERBILIRUBINEMIA, ROTOR TYPE. Identifiers: Orphanet 3111, MedGen C0220991, MONDO:0009379, OMIM 237450.

Allele frequency attached by ClinVar (database versions not stated): gnomAD 0.00136 and 0.00213; TOPMed 0.00253; 1000 Genomes Project 30x 0.00999; 1000 Genomes Project 0.01118.

Submissions (2):

Illumina Laboratory Services, Illumina
Classification: Benign for Rotor syndrome. Last evaluated: 2018-01-12. Review status: criteria provided, single submitter. Criteria: ICSL Variant Classification Criteria 13 December 2019. Collection method: clinical testing. Allele origin: germline.
Comment: This variant was observed in the ICSL laboratory as part of a predisposition screen in an ostensibly healthy population. It had not been previously curated by ICSL or reported in the Human Gene Mutation Database (HGMD: prior to June 1st, 2018), and was therefore a candidate for classification through an automated scoring system. Utilizing variant allele frequency, disease prevalence and penetrance estimates, and inheritance mode, an automated score was calculated to assess if this variant is too frequent to cause the disease. Based on the score and internal cut-off values, a variant classified as benign is not then subjected to further curation. The score for this variant resulted in a classification of benign for this disease.

Breakthrough Genomics
Classification: Benign. Review status: criteria provided, single submitter. Criteria: ACMG Guidelines, 2015. Collection method: not provided. Allele origin: germline. Inheritance: Autosomal recessive inheritance. Affected: yes.

NM_019844.4(SLCO1B3):c.*548A>T

Genes: SLCO1B3 (solute carrier organic anion transporter family member 1B3; plus strand), SLCO1B3-SLCO1B7 (SLCO1B3-SLCO1B7 readthrough; plus strand). Cytogenetic location: 12p12.2.
Variant type: single nucleotide variant.
Coding change: c.*548A>T on transcript NM_019844.4 (MANE Select); 548 bases downstream of the stop codon, A replaced by T.
Molecular consequence: 3 prime UTR variant.
Genome position (GRCh38, 1-based): chr12:20,916,795, A>T. VCF-style: chr12-20916795-A-T. GRCh37 (hg19) VCF-style: chr12-21069729-A-T.
Other names: c.*548A>T (NM_001349920.2).
Identifiers: ClinVar variation 307924 (VCV000307924.6), dbSNP rs117703648, ClinGen allele CA10632389.